The following is an entry in ClinVar:

ClinVar aggregate classification (germline): Uncertain significance (1 of 4 stars; one submission).

Submission:

GeneDx
Classification: Uncertain significance. Last evaluated: 2025-12-03. Review status: criteria provided, single submitter. Criteria: GeneDx Variant Classification Process June 2021. Collection method: clinical testing. Allele origin: germline. Affected: yes.
Comment: Not observed at significant frequency in large population cohorts (gnomAD); In silico analysis supports that this missense variant has a deleterious effect on protein structure/function; Has not been previously published as pathogenic or benign to our knowledge

NM_005639.3(SYT1):c.522G>T (p.Met174Ile)

Gene: SYT1 (synaptotagmin 1; plus strand). Cytogenetic location: 12q21.2.
Variant type: single nucleotide variant.
Coding change: c.522G>T on transcript NM_005639.3 (MANE Select); coding-DNA position 522, G replaced by T.
Protein change: p.Met174Ile; replaces methionine 174 with isoleucine.
Molecular consequence: missense variant.
Genome position (GRCh38, 1-based): chr12:79,296,116, G>T. VCF-style: chr12-79296116-G-T. GRCh37 (hg19) VCF-style: chr12-79689896-G-T.
Other names: c.522G>T, p.Met174Ile (NM_001135805.2, NM_001135806.2); c.513G>T, p.Met171Ile (NM_001291901.2); short protein forms M171I, M174I.
Identifiers: ClinVar variation 1809838 (VCV001809838.2), dbSNP rs1879861862, ClinGen allele CA385929653.
Genomic context (GRCh38, chr12:79,296,116, plus strand): 5'-TCATTTATTTCAGCTGCTGGTAGGGATCATTCAGGCTGCCGAACTGCCCGCCTTGGACAT[G>T]GGGGGCACATCTGATCCTTACGTGAAAGTGTTTCTGCTACCTGATAAGAAGAAGAAATTT-3'
Protein context (NP_005630.1, residues 164-184): IQAAELPALD[Met174Ile]GGTSDPYVKV